The following is an entry in ClinVar:

ClinVar aggregate classification (germline): Uncertain significance. Review status: criteria provided, multiple submitters, no conflicts (2 of 4 stars). 2 submissions from 2 submitters: Uncertain significance (2). Last evaluated 2024-06-08.

Conditions:
Inborn genetic diseases. Identifiers: MedGen C0950123, MeSH D030342.

Allele frequency attached by ClinVar (database versions not stated): ExAC 0.00001; gnomAD 0.00003; TOPMed 0.00003; gnomAD exomes 0.00004.
gnomAD v4.1: 60 of 1,606,716 alleles (0.0037%); highest among the groups gnomAD compares: East Asian, 0.0045%; no homozygotes.

Submissions (2):

Labcorp Genetics (formerly Invitae), Labcorp
Classification: Uncertain significance. Last evaluated: 2024-06-08. Review status: criteria provided, single submitter. Criteria: Invitae Variant Classification Sherloc (09022015). Collection method: clinical testing. Allele origin: germline.
Comment: This sequence change replaces arginine, which is basic and polar, with cysteine, which is neutral and slightly polar, at codon 372 of the COL8A2 protein (p.Arg372Cys). This variant is present in population databases (rs780318859, gnomAD 0.006%). This variant has not been reported in the literature in individuals affected with COL8A2-related conditions. ClinVar contains an entry for this variant (Variation ID: 2269162). Experimental studies and prediction algorithms are not available or were not evaluated, and the functional significance of this variant is currently unknown. In summary, the available evidence is currently insufficient to determine the role of this variant in disease. Therefore, it has been classified as a Variant of Uncertain Significance.

Ambry Genetics
Classification: Uncertain significance for Inborn genetic diseases. Last evaluated: 2022-01-04. Review status: criteria provided, single submitter. Criteria: Ambry Variant Classification Scheme 2023. Collection method: clinical testing. Allele origin: germline.

NM_005202.4(COL8A2):c.1114C>T (p.Arg372Cys)

Gene: COL8A2 (collagen type VIII alpha 2 chain; minus strand). Cytogenetic location: 1p34.3.
Variant type: single nucleotide variant.
Coding change: c.1114C>T on transcript NM_005202.4 (MANE Select); coding-DNA position 1114, C replaced by T.
Protein change: p.Arg372Cys; replaces arginine 372 with cysteine.
Molecular consequence: missense variant.
Genome position (GRCh38, 1-based): chr1:36,098,567, G>A on the plus strand (C>T on the coding strand, the complement: COL8A2 is on the minus strand). VCF-style: chr1-36098567-G-A. GRCh37 (hg19) VCF-style: chr1-36564168-G-A.
Other names: c.919C>T, p.Arg307Cys (NM_001294347.2); short protein forms R307C, R372C.
Identifiers: ClinVar variation 2269162 (VCV002269162.5), dbSNP rs780318859, ClinGen allele CA764996.